The following is an entry in ClinVar:

ClinVar aggregate classification (germline): Conflicting classifications of pathogenicity. Review status: criteria provided, conflicting classifications (1 of 4 stars). 5 submissions from 5 submitters: Uncertain significance (3); Likely benign (1). 1 of the submissions does not count toward it. Last evaluated 2025-08-13.

Conditions:
Hereditary cancer-predisposing syndrome. Also called: Hereditary Cancer Syndrome; Hereditary neoplastic syndrome; Neoplastic Syndromes, Hereditary; Tumor predisposition. Identifiers: Orphanet 140162, MedGen C0027672, MeSH D009386, MONDO:0015356.
Hereditary breast ovarian cancer syndrome. Also called: BRCA1- and BRCA2-Associated Hereditary Breast and Ovarian Cancer; Hereditary breast and ovarian cancer syndrome; Hereditary breast and ovarian cancer syndrome (HBOC); Breast and ovarian cancer; Hereditary breast and/or ovarian cancer syndrome; Hereditary breast and ovarian cancer. Identifiers: Orphanet 145, MedGen C0677776, MeSH D061325, MONDO:0003582. Disease mechanism: loss of function.
Breast-ovarian cancer, familial, susceptibility to, 1 (BROVCA1). Also called: BRCA1 Hereditary Breast and Ovarian Cancer; OVARIAN CANCER, SUSCEPTIBILITY TO. Identifiers: Orphanet 145, MedGen C2676676, MONDO:0011450, OMIM 604370. Disease mechanism: loss of function.

Allele frequency attached by ClinVar (database versions not stated): gnomAD exomes below 0.00001.
gnomAD v4.1: 1 of 1,613,478 alleles (0.000062%); highest among the groups gnomAD compares: Non-Finnish European, 0.000085%; no homozygotes.

Submissions (5):

Labcorp Genetics (formerly Invitae), Labcorp
Classification: Uncertain significance for Hereditary breast ovarian cancer syndrome. Last evaluated: 2025-08-13. Review status: criteria provided, single submitter. Criteria: Invitae Variant Classification Sherloc (09022015). Collection method: clinical testing. Allele origin: germline.
Comment: This sequence change falls in intron 8 of the BRCA1 gene. It does not directly change the encoded amino acid sequence of the BRCA1 protein. Loss-of-function variants in BRCA1 are expected to be pathogenic (PMID: 20104584). However, an in-frame BRCA1 isoform lacking exons 8 and 9 (also known as exons 9 and 10) is highly expressed in blood from unaffected individuals and in normal breast tissue; this isoform may retain protein function and could functionally rescue loss-of-function variants within exons 8-9 (PMID: 24569164). This variant is not present in population databases (gnomAD no frequency). This variant has been observed in individual(s) with breast cancer (PMID: 21394826, 31465090). ClinVar contains an entry for this variant (Variation ID: 55643). Based on a multifactorial likelihood algorithm using genetic, in silico, and/or statistical data, this variant has been determined to have a low probability of being pathogenic (PMID: 21394826). Variants that disrupt the consensus splice site are a relatively common cause of aberrant splicing (PMID: 17576681, 9536098). Studies have shown this variant is associated with multiple isoforms, but one or more of the resulting mRNA isoform(s) may be naturally occurring (PMID: 21394826, 24569164, 32398771; internal data). In summary, the available evidence is currently insufficient to determine the role of this variant in disease. Therefore, it has been classified as a Variant of Uncertain Significance.

Color Diagnostics, LLC DBA Color Health
Classification: Uncertain significance for Hereditary cancer-predisposing syndrome. Last evaluated: 2019-05-16. Review status: criteria provided, single submitter. Criteria: ACMG Guidelines, 2015. Collection method: clinical testing. Allele origin: germline.

Ambry Genetics
Classification: Likely benign for Hereditary cancer-predisposing syndrome. Last evaluated: 2019-04-26. Review status: criteria provided, single submitter. Criteria: Ambry Variant Classification Scheme 2023. Collection method: clinical testing. Allele origin: germline.

GeneDx
Classification: Uncertain significance. Last evaluated: 2016-02-22. Review status: criteria provided, single submitter. Criteria: GeneDx Variant Classification (06012015). Collection method: clinical testing. Allele origin: germline. Affected: yes.
Comment: This variant is denoted BRCA1 c.593+4A>G or IVS8+4A>G and consists of an A>G nucleotide substitution at the +4 position of intron 8 of the BRCA1 gene. Multiple in silico models predict this variant to weaken the nearby natural donor site, and to possibly cause abnormal gene splicing. An in vitro splicing assay found that this variant results in deletion of exon 9; however, there is suggestion that deletion of exon 9 is a natural isoform in some tissues (Whiley 2011). The variant, also published as BRCA1 712+4A>G using alternate nomenclature, was predicted by Lindor et al. (2012) to be neutral based on tumor pathology, clinical histories, family studies and co-occurrence with deleterious mutations. BRCA1 c.593+4A>G was not observed in approximately 6,500 individuals of European and African American ancestry in the NHLBI Exome Sequencing Project, indicating it is not a common benign variant in these populations. The adenine (A) nucleotide that is altered is not conserved. Based on currently available information, it is unclear whether BRCA1 c.593+4A>G is a pathogenic or benign variant. We consider it to be a variant of uncertain significance.

Breast Cancer Information Core (BIC) (BRCA1)
Classification: Uncertain significance for Breast-ovarian cancer, familial 1. Last evaluated: 2003-12-23. Review status: no assertion criteria provided. Collection method: clinical testing. Allele origin: germline. Affected: yes. Observed: 3 variant alleles. Not counted in ClinVar's aggregate classification.

Literature cited by the submitters: PubMed 20104584 (cited by Labcorp Genetics (formerly Invitae), Labcorp); PubMed 24569164 (cited by Labcorp Genetics (formerly Invitae), Labcorp); PubMed 21394826 (cited by Labcorp Genetics (formerly Invitae), Labcorp); PubMed 31465090 (cited by Labcorp Genetics (formerly Invitae), Labcorp); PubMed 17576681 (cited by Labcorp Genetics (formerly Invitae), Labcorp); PubMed 9536098 (cited by Labcorp Genetics (formerly Invitae), Labcorp); PubMed 32398771 (cited by Labcorp Genetics (formerly Invitae), Labcorp).

NM_007294.4(BRCA1):c.593+4A>G

Gene: BRCA1 (BRCA1 DNA repair associated; minus strand). Cytogenetic location: 17q21.31.
Variant type: single nucleotide variant.
Coding change: c.593+4A>G on transcript NM_007294.4 (MANE Select); 4 bases into the intron after coding-DNA position 593, A replaced by G.
Molecular consequence: intron variant.
Genome position (GRCh38, 1-based): chr17:43,097,240, T>C on the plus strand (A>G on the coding strand, the complement: BRCA1 is on the minus strand). VCF-style: chr17-43097240-T-C. GRCh37 (hg19) VCF-style: chr17-41249257-T-C.
Other names: IVS9+4A>G; c.452+4A>G (NM_001408458.1, NM_001408469.1, NM_001408453.1 and 43 more transcripts); c.-218-2380A>G (NM_001407967.1, NM_001407966.1); c.212+4A>G (NM_001407959.1, NM_001408510.1, NM_001407963.1 and 1 more transcripts); c.404-2380A>G (NM_001407931.1, NM_001407932.1, NM_001408503.1 and 5 more transcripts); c.449+4A>G (NM_001407747.1, NM_001408470.1, NM_001407848.1 and 26 more transcripts); c.209+4A>G (NM_001407962.1); c.167-2380A>G (NM_001408512.1, NM_001407965.1); and 18 more.
Identifiers: ClinVar variation 55643 (VCV000055643.20), dbSNP rs80358154, ClinGen allele CA003750.